The following is an entry in ClinVar:

ClinVar aggregate classification (germline): Pathogenic (1 of 4 stars; one submission).

Conditions:
Hyperkalemic periodic paralysis. Also called: Familial hyperkalemic periodic paralysis; Gamstorp disease. Identifiers: Orphanet 682, MedGen C0238357, MONDO:0008224, OMIM 170500, HP:0007215.

Submission:

Labcorp Genetics (formerly Invitae), Labcorp
Classification: Pathogenic for Hyperkalemic periodic paralysis. Last evaluated: 2024-04-22. Review status: criteria provided, single submitter. Criteria: Invitae Variant Classification Sherloc (09022015). Collection method: clinical testing. Allele origin: germline.
Comment: This sequence change creates a premature translational stop signal (p.Tyr600*) in the SCN4A gene. It is expected to result in an absent or disrupted protein product. Loss-of-function variants in SCN4A are known to be pathogenic (PMID: 26700687). This variant is not present in population databases (gnomAD no frequency). This variant has not been reported in the literature in individuals affected with SCN4A-related conditions. ClinVar contains an entry for this variant (Variation ID: 1420693). For these reasons, this variant has been classified as Pathogenic.

Literature cited by the submitters: PubMed 26700687.

NM_000334.4(SCN4A):c.1800C>G (p.Tyr600Ter)

Gene: SCN4A (sodium voltage-gated channel alpha subunit 4; minus strand). Cytogenetic location: 17q23.3.
Variant type: single nucleotide variant.
Coding change: c.1800C>G on transcript NM_000334.4 (MANE Select); coding-DNA position 1800, C replaced by G.
Protein change: p.Tyr600Ter; replaces tyrosine 600 with a stop codon.
Molecular consequence: nonsense.
Genome position (GRCh38, 1-based): chr17:63,961,238, G>C on the plus strand (C>G on the coding strand, the complement: SCN4A is on the minus strand). VCF-style: chr17-63961238-G-C. GRCh37 (hg19) VCF-style: chr17-62038598-G-C.
Other names: short protein forms Y600*.
Identifiers: ClinVar variation 1420693 (VCV001420693.6), dbSNP rs778746718, ClinGen allele CA400632903.
Genomic context (GRCh38, chr17:63,961,238, plus strand): 5'-CCCGCCCCTCCCTACCAGGTTGCCCACAGTGAGCACGTTGTCAAAGTGCTCCGTCATGGG[G>C]TAATGTTCCATGGCCATGAAGAGGGTGTTGAGCACGATGCAGATGGTGATGCCCAGGTCC-3'